The following is an entry in ClinVar:

NM_001267550.2(TTN):c.49187_49191dup (p.Trp16398fs)

Genes: TTN-AS1 (TTN antisense RNA 1; plus strand), TTN (titin; minus strand), LOC126806426 (BRD4-independent group 4 enhancer GRCh37_chr2:179478848-179480047; plus strand). Cytogenetic location: 2q31.2.
Variant type: Duplication.
Coding change: c.49187_49191dup on transcript NM_001267550.2 (MANE Select); coding-DNA positions 49187 to 49191, 5 bases duplicated (AAGTG; older notation c.49187_49191dupAAGTG).
Protein change: p.Trp16398fs; shifts the reading frame from tryptophan 16398.
Molecular consequence: frameshift variant. On other transcripts: non-coding transcript variant (1).
Genome position (GRCh38, 1-based): chr2:178,614,206-178,614,210, CACTT duplicated on the plus strand (AAGTG on the coding strand, the reverse complement: TTN is on the minus strand); duplicating any 5 consecutive bases within chr2:178,614,206-178,614,214 gives the same sequence; the c. name uses the placement nearest the transcript's 3' end. VCF-style (leftmost placement, unchanged base first): chr2-178614205-A-ACACTT. GRCh37 (hg19) VCF-style: chr2-179478932-A-ACACTT.
Other names: c.41483_41487dup, p.Trp13830fs (NM_133378.4); c.22367_22371dup, p.Trp7458fs (NM_133432.3); c.22568_22572dup, p.Trp7525fs (NM_133437.4); c.44264_44268dup, p.Trp14757fs (NM_001256850.1); c.21992_21996dup, p.Trp7333fs (NM_003319.4); short protein forms W13830fs, W14757fs, W7333fs, W16398fs, W7458fs, W7525fs.
Identifiers: ClinVar variation 2117655 (VCV002117655.4), dbSNP rs2470648962, ClinGen allele CA2580064988.

ClinVar aggregate classification (germline): Likely pathogenic (1 of 4 stars; one submission).

Conditions:
Dilated cardiomyopathy 1G (CMD1G). Identifiers: Orphanet 154, MedGen C1858763, MONDO:0011400, OMIM 604145.
Autosomal recessive limb-girdle muscular dystrophy type 2J (LGMDR10). Also called: Limb-girdle muscular dystrophy, type 2J; MUSCULAR DYSTROPHY, LIMB-GIRDLE, AUTOSOMAL RECESSIVE 10. Identifiers: Orphanet 140922, MedGen C1837342, MONDO:0012127, OMIM 608807.

Submission:

Labcorp Genetics (formerly Invitae), Labcorp
Classification: Likely pathogenic for Dilated cardiomyopathy 1G; Autosomal recessive limb-girdle muscular dystrophy type 2J. Last evaluated: 2024-10-28. Review status: criteria provided, single submitter. Criteria: Invitae Variant Classification Sherloc (09022015). Collection method: clinical testing. Allele origin: germline.
Comment: This sequence change creates a premature translational stop signal (p.Trp16398Lysfs*20) in the TTN gene. While this is not anticipated to result in nonsense mediated decay, it is expected to create a truncated TTN protein. This variant is not present in population databases (gnomAD no frequency). This variant has not been reported in the literature in individuals affected with TTN-related conditions. ClinVar contains an entry for this variant (Variation ID: 2117655). This variant is located in the A band of TTN (PMID: 25589632). Truncating variants in this region are significantly overrepresented in patients affected with dilated cardiomyopathy (PMID: 25589632). Truncating variants in this region have also been reported in individuals affected with autosomal recessive centronuclear myopathy (PMID: 23975875). In summary, the currently available evidence indicates that the variant is pathogenic, but additional data are needed to prove that conclusively. Therefore, this variant has been classified as Likely Pathogenic.

Literature cited by the submitters: PubMed 25589632; PubMed 23975875.